The following is an entry in ClinVar:

NM_001041.4(SI):c.4817C>G (p.Thr1606Ser)

Gene: SI (sucrase-isomaltase; minus strand). Cytogenetic location: 3q26.1.
Variant type: single nucleotide variant.
Coding change: c.4817C>G on transcript NM_001041.4 (MANE Select); coding-DNA position 4817, C replaced by G.
Protein change: p.Thr1606Ser; replaces threonine 1606 with serine.
Molecular consequence: missense variant.
Genome position (GRCh38, 1-based): chr3:164,994,281, G>C on the plus strand (C>G on the coding strand, the complement: SI is on the minus strand). VCF-style: chr3-164994281-G-C. GRCh37 (hg19) VCF-style: chr3-164712069-G-C.
Other names: short protein forms T1606S.
Identifiers: ClinVar variation 1396436 (VCV001396436.6), dbSNP rs376062850, ClinGen allele CA355028874.

ClinVar aggregate classification (germline): Uncertain significance. Review status: criteria provided, multiple submitters, no conflicts (2 of 4 stars). 2 submissions from 2 submitters: Uncertain significance (2). Last evaluated 2024-03-06.

Conditions:
Sucrase-isomaltase deficiency (CSID). Also called: Deficiency of isomaltase; Congenital sucrose isomaltose malabsorption; Sucrose isomaltose enzyme deficiency; SI DEFICIENCY. Identifiers: Orphanet 35122, MedGen C1283620, MONDO:0009114, OMIM 222900.

gnomAD v4.1: 8 of 1,610,846 alleles (0.0005%); highest among the groups gnomAD compares: South Asian, 0.0022%; no homozygotes.

Submissions (2):

Fulgent Genetics
Classification: Uncertain significance for Sucrase-isomaltase deficiency. Last evaluated: 2024-03-06. Review status: criteria provided, single submitter. Criteria: ACMG Guidelines, 2015. Collection method: clinical testing. Allele origin: germline.

Labcorp Genetics (formerly Invitae), Labcorp
Classification: Uncertain significance. Last evaluated: 2021-10-27. Review status: criteria provided, single submitter. Criteria: Invitae Variant Classification Sherloc (09022015). Collection method: clinical testing. Allele origin: germline.
Comment: In summary, the available evidence is currently insufficient to determine the role of this variant in disease. Therefore, it has been classified as a Variant of Uncertain Significance. Advanced modeling of protein sequence and biophysical properties (such as structural, functional, and spatial information, amino acid conservation, physicochemical variation, residue mobility, and thermodynamic stability) performed at Invitae indicates that this missense variant is expected to disrupt SI protein function. This variant has not been reported in the literature in individuals affected with SI-related conditions. This variant is present in population databases (no rsID available, gnomAD 0.003%). This sequence change replaces threonine, a(n) neutral and polar amino acid, with serine, a(n) neutral and polar amino acid, at codon 1606 of the SI protein (p.Thr1606Ser).